The following is an entry in ClinVar:

NM_030777.4(SLC2A10):c.325G>T (p.Gly109Cys)

Gene: SLC2A10 (solute carrier family 2 member 10; plus strand). Cytogenetic location: 20q13.12.
Variant type: single nucleotide variant.
Coding change: c.325G>T on transcript NM_030777.4 (MANE Select); coding-DNA position 325, G replaced by T.
Protein change: p.Gly109Cys; replaces glycine 109 with cysteine.
Molecular consequence: missense variant.
Genome position (GRCh38, 1-based): chr20:46,725,361, G>T. VCF-style: chr20-46725361-G-T. GRCh37 (hg19) VCF-style: chr20-45354000-G-T.
Other names: short protein forms G109C.
Identifiers: ClinVar variation 1729520 (VCV001729520.2), dbSNP rs2515587404, ClinGen allele CA409266785.

ClinVar aggregate classification (germline): Uncertain significance (1 of 4 stars; one submission).

Conditions:
Familial thoracic aortic aneurysm and aortic dissection (TAAD). Also called: Thoracic aortic aneurysms and dissections. Identifiers: Orphanet 91387, MedGen C4707243, MONDO:0019625.

Submission:

Ambry Genetics
Classification: Uncertain significance for Familial thoracic aortic aneurysm and aortic dissection. Last evaluated: 2021-07-30. Review status: criteria provided, single submitter. Criteria: Ambry Variant Classification Scheme 2023. Collection method: clinical testing. Allele origin: germline.
Comment: The p.G109C variant (also known as c.325G>T), located in coding exon 2 of the SLC2A10 gene, results from a G to T substitution at nucleotide position 325. The glycine at codon 109 is replaced by cysteine, an amino acid with highly dissimilar properties. This amino acid position is conserved. In addition, this alteration is predicted to be deleterious by in silico analysis. Since supporting evidence is limited at this time, the clinical significance of this alteration remains unclear.